The following is an entry in ClinVar:

ClinVar aggregate classification (germline): Uncertain significance (1 of 4 stars; one submission).

Submission:

Labcorp Genetics (formerly Invitae), Labcorp
Classification: Uncertain significance. Last evaluated: 2024-10-22. Review status: criteria provided, single submitter. Criteria: Invitae Variant Classification Sherloc (09022015). Collection method: clinical testing. Allele origin: germline.
Comment: This sequence change replaces alanine, which is neutral and non-polar, with aspartic acid, which is acidic and polar, at codon 20 of the RLBP1 protein (p.Ala20Asp). This variant is not present in population databases (gnomAD no frequency). This variant has not been reported in the literature in individuals affected with RLBP1-related conditions. ClinVar contains an entry for this variant (Variation ID: 1042262). Invitae Evidence Modeling of protein sequence and biophysical properties (such as structural, functional, and spatial information, amino acid conservation, physicochemical variation, residue mobility, and thermodynamic stability) indicates that this missense variant is not expected to disrupt RLBP1 protein function with a negative predictive value of 95%. In summary, the available evidence is currently insufficient to determine the role of this variant in disease. Therefore, it has been classified as a Variant of Uncertain Significance.

NM_000326.5(RLBP1):c.59C>A (p.Ala20Asp)

Gene: RLBP1 (retinaldehyde binding protein 1; minus strand). Cytogenetic location: 15q26.1.
Variant type: single nucleotide variant.
Coding change: c.59C>A on transcript NM_000326.5 (MANE Select); coding-DNA position 59, C replaced by A.
Protein change: p.Ala20Asp; replaces alanine 20 with aspartic acid.
Molecular consequence: missense variant.
Genome position (GRCh38, 1-based): chr15:89,218,647, G>T on the plus strand (C>A on the coding strand, the complement: RLBP1 is on the minus strand). VCF-style: chr15-89218647-G-T. GRCh37 (hg19) VCF-style: chr15-89761878-G-T.
Other names: short protein forms A20D.
Identifiers: ClinVar variation 1042262 (VCV001042262.8), dbSNP rs774472430, ClinGen allele CA393731829.